The following is an entry in ClinVar:

ClinVar aggregate classification (germline): Likely benign. Review status: criteria provided, multiple submitters, no conflicts (2 of 4 stars). 2 submissions from 2 submitters: Likely benign (2). Last evaluated 2026-01-05.

Conditions:
SLC34A3-related disorder. Also called: SLC34A3-related condition.

Allele frequency attached by ClinVar (database versions not stated): gnomAD exomes 0.00004; gnomAD 0.00010; TOPMed 0.00013; 1000 Genomes Project 30x 0.00016.
gnomAD v4.1: 68 of 1,483,238 alleles (0.0046%); highest among the groups gnomAD compares: East Asian, 0.047%; no homozygotes.

Submissions (2):

Labcorp Genetics (formerly Invitae), Labcorp
Classification: Likely benign. Last evaluated: 2026-01-05. Review status: criteria provided, single submitter. Criteria: Invitae Variant Classification Sherloc (09022015). Collection method: clinical testing. Allele origin: germline.

PreventionGenetics, part of Exact Sciences
Classification: Likely benign for SLC34A3-related condition. Last evaluated: 2025-10-22. Review status: criteria provided, single submitter. Criteria: ACMG Guidelines, 2015. Collection method: clinical testing. Allele origin: germline.
Comment: This variant is classified as likely benign based on ACMG/AMP sequence variant interpretation guidelines (Richards et al. 2015 PMID: 25741868, with internal and published modifications).

NM_001177316.2(SLC34A3):c.926-80G>A

Gene: SLC34A3 (solute carrier family 34 member 3; plus strand). Cytogenetic location: 9q34.3.
Variant type: single nucleotide variant.
Coding change: c.926-80G>A on transcript NM_001177316.2 (MANE Select); 80 bases into the intron before coding-DNA position 926, G replaced by A.
Molecular consequence: intron variant.
Genome position (GRCh38, 1-based): chr9:137,234,029, G>A. VCF-style: chr9-137234029-G-A. GRCh37 (hg19) VCF-style: chr9-140128481-G-A.
Other names: c.926-80G>A (NM_080877.2, NM_001177317.2, NM_080877.3).
Identifiers: ClinVar variation 1902221 (VCV001902221.6), dbSNP rs753473573, ClinGen allele CA5364681.